The following is an entry in ClinVar:

NM_000875.5(IGF1R):c.2684_2692del (p.Arg895_Asn897del)

Gene: IGF1R (insulin like growth factor 1 receptor; plus strand). Cytogenetic location: 15q26.3.
Variant type: Deletion.
Coding change: c.2684_2692del on transcript NM_000875.5 (MANE Select); coding-DNA positions 2684 to 2692, 9 bases deleted (GGCTAAACC; older notation c.2684_2692delGGCTAAACC).
Protein change: p.Arg895_Asn897del.
Molecular consequence: inframe deletion.
Genome position (GRCh38, 1-based): chr15:98,924,586-98,924,594, GGCTAAACC deleted; deleting any 9 consecutive bases within chr15:98,924,578-98,924,594 gives the same sequence; the c. name uses the placement nearest the transcript's 3' end. VCF-style (leftmost placement, unchanged base first): chr15-98924577-AGCTAAACCG-A. GRCh37 (hg19) VCF-style: chr15-99467806-AGCTAAACCG-A.
Other names: c.2684_2692del, p.Arg895_Asn897del (NM_001291858.2).
Identifiers: ClinVar variation 1700263 (VCV001700263.2), dbSNP rs2151694492, ClinGen allele CA2575844196.

ClinVar aggregate classification (germline): Likely pathogenic (1 of 4 stars; one submission).

Submission:

GeneDx
Classification: Likely pathogenic. Last evaluated: 2022-08-03. Review status: criteria provided, single submitter. Criteria: GeneDx Variant Classification Process June 2021. Collection method: clinical testing. Allele origin: germline. Affected: yes.
Comment: In-frame deletion of three amino acids in a non-repeat region; In silico analysis supports a deleterious effect on protein structure/function; Has not been previously published as pathogenic or benign to our knowledge; Not observed in large population cohorts (gnomAD)